The following is an entry in ClinVar:

ClinVar aggregate classification (germline): Uncertain significance. Review status: criteria provided, multiple submitters, no conflicts (2 of 4 stars). 2 submissions from 2 submitters: Uncertain significance (2). Last evaluated 2024-01-02.

Conditions:
Andersen Tawil syndrome (LQT7). Also called: ANDERSEN CARDIODYSRHYTHMIC PERIODIC PARALYSIS; Potassium-sensitive periodic paralysis, ventricular ectopy, and dysmorphic features; Andersen Syndrome; LONG QT SYNDROME 7; PERIODIC PARALYSIS, POTASSIUM-SENSITIVE CARDIODYSRHYTHMIC TYPE. Identifiers: Orphanet 37553, MedGen C1563715, MONDO:0008222, OMIM 170390.
Short QT syndrome type 3. Identifiers: Orphanet 51083, MedGen C1865018, MONDO:0012314, OMIM 609622.

Submissions (2):

Labcorp Genetics (formerly Invitae), Labcorp
Classification: Uncertain significance for Short QT syndrome type 3; Andersen Tawil syndrome. Last evaluated: 2024-01-02. Review status: criteria provided, single submitter. Criteria: Invitae Variant Classification Sherloc (09022015). Collection method: clinical testing. Allele origin: germline.
Comment: This sequence change replaces threonine, which is neutral and polar, with isoleucine, which is neutral and non-polar, at codon 139 of the KCNJ2 protein (p.Thr139Ile). This variant is not present in population databases (gnomAD no frequency). This variant has not been reported in the literature in individuals affected with KCNJ2-related conditions. ClinVar contains an entry for this variant (Variation ID: 403973). Advanced modeling of protein sequence and biophysical properties (such as structural, functional, and spatial information, amino acid conservation, physicochemical variation, residue mobility, and thermodynamic stability) performed at Invitae indicates that this missense variant is expected to disrupt KCNJ2 protein function with a positive predictive value of 80%. In summary, the available evidence is currently insufficient to determine the role of this variant in disease. Therefore, it has been classified as a Variant of Uncertain Significance.

GeneDx
Classification: Uncertain significance. Last evaluated: 2020-11-03. Review status: criteria provided, single submitter. Criteria: GeneDx Variant Classification Process June 2021. Collection method: clinical testing. Allele origin: germline. Affected: yes.
Comment: Not observed in large population cohorts (Lek et al., 2016); In silico analysis supports that this missense variant has a deleterious effect on protein structure/function; Has not been previously published as pathogenic or benign to our knowledge

NM_000891.3(KCNJ2):c.416C>T (p.Thr139Ile)

Gene: KCNJ2 (potassium inwardly rectifying channel subfamily J member 2; plus strand). Cytogenetic location: 17q24.3.
Variant type: single nucleotide variant.
Coding change: c.416C>T on transcript NM_000891.3 (MANE Select); coding-DNA position 416, C replaced by T.
Protein change: p.Thr139Ile; replaces threonine 139 with isoleucine.
Molecular consequence: missense variant.
Genome position (GRCh38, 1-based): chr17:70,175,455, C>T. VCF-style: chr17-70175455-C-T. GRCh37 (hg19) VCF-style: chr17-68171596-C-T.
Other names: short protein forms T139I.
Identifiers: ClinVar variation 403973 (VCV000403973.12), dbSNP rs1060500052, ClinGen allele CA16615918.